The following is an entry in ClinVar:

ClinVar aggregate classification (germline): Pathogenic/Likely pathogenic. Review status: criteria provided, multiple submitters, no conflicts (2 of 4 stars). 2 submissions from 2 submitters: Pathogenic (1); Likely pathogenic (1). Last evaluated 2024-06-07.

Conditions:
Epidermolysis bullosa, junctional 2A, intermediate. Also called: EPIDERMOLYSIS BULLOSA, JUNCTIONAL 2A, GENERALIZED INTERMEDIATE; EPIDERMOLYSIS BULLOSA, JUNCTIONAL 2A, NON-HERLITZ TYPE. Identifiers: MedGen C5676936, MONDO:0030746, OMIM 619783.
Epidermolysis bullosa, junctional 2B, severe. Also called: EPIDERMOLYSIS BULLOSA, JUNCTIONAL 2B, GENERALIZED SEVERE; EPIDERMOLYSIS BULLOSA, JUNCTIONAL 2B, HERLITZ TYPE. Identifiers: MedGen C5676937, MONDO:0030747, OMIM 619784.
Laryngo-onycho-cutaneous syndrome (JEB2C). Also called: EPIDERMOLYSIS BULLOSA, JUNCTIONAL 2C, LARYNGOONYCHOCUTANEOUS; LOGIC SYNDROME; SHABBIR SYNDROME. Identifiers: Orphanet 2407, MedGen C1328355, MONDO:0009513, OMIM 245660.

Allele frequency attached by ClinVar (database versions not stated): gnomAD exomes below 0.00001.

Submissions (2):

Fulgent Genetics
Classification: Likely pathogenic for Laryngo-onycho-cutaneous syndrome; Epidermolysis bullosa, junctional 2A, intermediate; Epidermolysis bullosa, junctional 2B, severe. Last evaluated: 2024-06-07. Review status: criteria provided, single submitter. Criteria: ACMG Guidelines, 2015. Collection method: clinical testing. Allele origin: germline.

Labcorp Genetics (formerly Invitae), Labcorp
Classification: Pathogenic. Last evaluated: 2021-12-12. Review status: criteria provided, single submitter. Criteria: Invitae Variant Classification Sherloc (09022015). Collection method: clinical testing. Allele origin: germline.
Comment: This variant has not been reported in the literature in individuals affected with LAMA3-related conditions. For these reasons, this variant has been classified as Pathogenic. This variant is not present in population databases (gnomAD no frequency). This sequence change creates a premature translational stop signal (p.Gln1293Argfs*5) in the LAMA3 gene. It is expected to result in an absent or disrupted protein product. Loss-of-function variants in LAMA3 are known to be pathogenic (PMID: 10366601, 11810295, 12915477, 16473856, 17362460, 22434185, 23869449, 27827380, 28087116).

Literature cited by the submitters: PubMed 10366601 (cited by Labcorp Genetics (formerly Invitae), Labcorp); PubMed 11810295 (cited by Labcorp Genetics (formerly Invitae), Labcorp); PubMed 12915477 (cited by Labcorp Genetics (formerly Invitae), Labcorp); PubMed 16473856 (cited by Labcorp Genetics (formerly Invitae), Labcorp); PubMed 17362460 (cited by Labcorp Genetics (formerly Invitae), Labcorp); PubMed 22434185 (cited by Labcorp Genetics (formerly Invitae), Labcorp); PubMed 23869449 (cited by Labcorp Genetics (formerly Invitae), Labcorp); PubMed 27827380 (cited by Labcorp Genetics (formerly Invitae), Labcorp); PubMed 28087116 (cited by Labcorp Genetics (formerly Invitae), Labcorp).

NM_198129.4(LAMA3):c.8705del (p.Gln2902fs)

Gene: LAMA3 (laminin subunit alpha 3; plus strand). Cytogenetic location: 18q11.2.
Variant type: Deletion.
Coding change: c.8705del on transcript NM_198129.4 (MANE Select); coding-DNA position 8705, one base deleted (A; older notation c.8705delA).
Protein change: p.Gln2902fs; shifts the reading frame from glutamine 2902.
Molecular consequence: frameshift variant.
Genome position (GRCh38, 1-based): chr18:23,932,288, A deleted. VCF-style (leftmost placement, unchanged base first): chr18-23932287-CA-C. GRCh37 (hg19) VCF-style: chr18-21512251-CA-C.
Other names: c.3878del, p.Gln1293fs (NM_000227.6); c.8537del, p.Gln2846fs (NM_001127717.4); c.3710del, p.Gln1237fs (NM_001127718.4); short protein forms Q1237fs, Q2846fs, Q1293fs, Q2902fs.
Identifiers: ClinVar variation 1382563 (VCV001382563.7), dbSNP rs2145407506, ClinGen allele CA2573155151.